The following is an entry in ClinVar:

ClinVar aggregate classification (germline): Uncertain significance (1 of 4 stars; one submission).

Conditions:
Microphthalmia with brain and digit anomalies (MCOPS6). Also called: Microphthalmia, syndromic 6; MICROPHTHALMIA AND PITUITARY ANOMALIES. Identifiers: Orphanet 139471, MedGen C1864689, MONDO:0011936, OMIM 607932.

Submission:

MVZ Medizinische Genetik Mainz
Classification: Uncertain significance for Microphthalmia with brain and digit anomalies. Last evaluated: 2023-11-06. Review status: criteria provided, single submitter. Criteria: UK Practice Guidelines For Variant Classification V4 01 2020. Collection method: clinical testing. Allele origin: germline. Inheritance: Autosomal dominant inheritance. Affected: yes. Observed: 1 variant allele.
Comment: ACMG Criteria: PVS1_STR,PM2_SUP

NM_001202.6(BMP4):c.539_561del (p.Ile180fs)

Gene: BMP4 (bone morphogenetic protein 4; minus strand). Cytogenetic location: 14q22.2.
Variant type: Deletion.
Coding change: c.539_561del on transcript NM_001202.6 (MANE Select); coding-DNA positions 539 to 561, 23 bases deleted (TTTATGAGGTTATGAAGCCCCCA).
Protein change: p.Ile180fs; shifts the reading frame from isoleucine 180.
Molecular consequence: frameshift variant.
Genome position (GRCh38, 1-based): chr14:53,950,698-53,950,720, TGGGGGCTTCATAACCTCATAAA deleted on the plus strand (TTTATGAGGTTATGAAGCCCCCA on the coding strand, the reverse complement: BMP4 is on the minus strand); deleting any 23 consecutive bases within chr14:53,950,698-53,950,722 gives the same sequence; the c. name uses the placement nearest the transcript's 3' end. VCF-style (leftmost placement, unchanged base first): chr14-53950697-CTGGGGGCTTCATAACCTCATAAA-C. GRCh37 (hg19) VCF-style: chr14-54417415-CTGGGGGCTTCATAACCTCATAAA-C.
Other names: c.680_702del, p.Ile227fs (NM_001347912.1); c.350_372del, p.Ile117fs (NM_001347913.2, NM_001347915.2, NM_001347917.1); c.539_561del, p.Ile180fs (NM_001347914.2, NM_001347916.1, NM_130850.5 and 1 more transcripts); short protein forms I117fs, I180fs, I227fs.
Identifiers: ClinVar variation 3066294 (VCV003066294.1), dbSNP rs2502582503, ClinGen allele CA2740097932.